The following is an entry in ClinVar:

NM_003628.6(PKP4):c.158G>A (p.Arg53Gln)

Gene: PKP4 (plakophilin 4; plus strand). Cytogenetic location: 2q24.1.
Variant type: single nucleotide variant.
Coding change: c.158G>A on transcript NM_003628.6 (MANE Select); coding-DNA position 158, G replaced by A.
Protein change: p.Arg53Gln; replaces arginine 53 with glutamine.
Molecular consequence: missense variant. On other transcripts: 5 prime UTR variant (1).
Genome position (GRCh38, 1-based): chr2:158,577,296, G>A. VCF-style: chr2-158577296-G-A. GRCh37 (hg19) VCF-style: chr2-159433808-G-A.
Other names: c.158G>A, p.Arg53Gln (NM_001005476.4, NM_001304969.3, NM_001304971.2 and 9 more transcripts); c.-792G>A (NM_001304970.3); short protein forms R53Q.
Identifiers: ClinVar variation 1775885 (VCV001775885.3), dbSNP rs200264792, ClinGen allele CA1920308.

ClinVar aggregate classification (germline): Uncertain significance (1 of 4 stars; one submission).

Allele frequency attached by ClinVar (database versions not stated): gnomAD 0.00002; ExAC 0.00003; ESP Exome Variant Server 0.00008; 1000 Genomes Project 0.00020; TOPMed 0.00003; 1000 Genomes Project 30x 0.00031.
gnomAD v4.1: 34 of 1,613,394 alleles (0.0021%); highest among the groups gnomAD compares: Admixed American, 0.02%; no homozygotes.

Submission:

Ambry Genetics
Classification: Uncertain significance. Last evaluated: 2025-05-17. Review status: criteria provided, single submitter. Criteria: Ambry Variant Classification Scheme 2023. Collection method: clinical testing. Allele origin: germline.
Comment: The p.R53Q variant (also known as c.158G>A), located in coding exon 2 of the PKP4 gene, results from a G to A substitution at nucleotide position 158. The arginine at codon 53 is replaced by glutamine, an amino acid with highly similar properties. This amino acid position is conserved. In addition, this alteration is predicted to be deleterious by in silico analysis. Since supporting evidence is limited at this time, the clinical significance of this alteration remains unclear.